The following is an entry in ClinVar:

ClinVar aggregate classification (germline): Uncertain significance (1 of 4 stars; one submission).

gnomAD v4.1: 3 of 1,556,172 alleles (0.00019%); highest among the groups gnomAD compares: South Asian, 0.0024%; no homozygotes.

Submission:

Labcorp Genetics (formerly Invitae), Labcorp
Classification: Uncertain significance. Last evaluated: 2022-07-06. Review status: criteria provided, single submitter. Criteria: Invitae Variant Classification Sherloc (09022015). Collection method: clinical testing. Allele origin: germline.
Comment: In summary, the available evidence is currently insufficient to determine the role of this variant in disease. Therefore, it has been classified as a Variant of Uncertain Significance. Variants that disrupt the consensus splice site are a relatively common cause of aberrant splicing (PMID: 17576681, 9536098). Algorithms developed to predict the effect of sequence changes on RNA splicing suggest that this variant may disrupt the consensus splice site. Algorithms developed to predict the effect of missense changes on protein structure and function are either unavailable or do not agree on the potential impact of this missense change (SIFT: "Tolerated"; PolyPhen-2: "Possibly Damaging"; Align-GVGD: "Class C0"). ClinVar contains an entry for this variant (Variation ID: 1016495). This variant has not been reported in the literature in individuals affected with HELLS-related conditions. This variant is not present in population databases (gnomAD no frequency). This sequence change replaces glycine, which is neutral and non-polar, with cysteine, which is neutral and slightly polar, at codon 11 of the HELLS protein (p.Gly11Cys). This variant also falls at the last nucleotide of exon 1, which is part of the consensus splice site for this exon.

Literature cited by the submitters: PubMed 17576681; PubMed 9536098.

NM_018063.5(HELLS):c.31G>T (p.Gly11Cys)

Gene: HELLS (helicase, lymphoid specific; plus strand). Cytogenetic location: 10q23.33.
Variant type: single nucleotide variant.
Coding change: c.31G>T on transcript NM_018063.5 (MANE Select); coding-DNA position 31, G replaced by T.
Protein change: p.Gly11Cys; replaces glycine 11 with cysteine.
Molecular consequence: missense variant. On other transcripts: 5 prime UTR variant (4), intron variant (1).
Genome position (GRCh38, 1-based): chr10:94,545,952, G>T. VCF-style: chr10-94545952-G-T. GRCh37 (hg19) VCF-style: chr10-96305709-G-T.
Other names: c.31G>T, p.Gly11Cys (NM_001289067.2, NM_001289069.2, NM_001289070.2 and 1 more transcripts); c.-386G>T (NM_001289071.2); c.-319G>T (NM_001289073.2); c.-972G>T (NM_001289074.2); c.-991G>T (NM_001289075.2); c.-18+45G>T (NM_001289068.2); short protein forms G11C.
Identifiers: ClinVar variation 1016495 (VCV001016495.8), dbSNP rs1043925031, ClinGen allele CA377660794.
Genomic context (GRCh38, chr10:94,545,952, plus strand): 5'-GGGACCCGGTTCCCGGGTGAGTGTCCAGGCATGCCAGCGGAACGGCCCGCGGGCAGCGGC[G>T]GTGAGTGAGGAAAACCTTTTGGGCGCGGGTGGCAGCCTGCGGGGCTGAGGTGGGCAAGCA-3'
Protein context (NP_060533.2, residues 1-21): MPAERPAGSG[Gly11Cys]SEAPAMVEQL